The following is an entry in ClinVar:

ClinVar aggregate classification (germline): Uncertain significance (1 of 4 stars; one submission).

Allele frequency attached by ClinVar (database versions not stated): TOPMed 0.00001.
gnomAD v4.1: 2 of 1,613,588 alleles (0.00012%); highest among the groups gnomAD compares: East Asian, 0.0045%; no homozygotes.

Submission:

Ambry Genetics
Classification: Uncertain significance. Last evaluated: 2023-08-29. Review status: criteria provided, single submitter. Criteria: Ambry Variant Classification Scheme 2023. Collection method: clinical testing. Allele origin: germline.
Comment: The p.T757S variant (also known as c.2270C>G), located in coding exon 13 of the NPAT gene, results from a C to G substitution at nucleotide position 2270. The threonine at codon 757 is replaced by serine, an amino acid with similar properties. This amino acid position is conserved. In addition, this alteration is predicted to be tolerated by in silico analysis. Since supporting evidence is limited at this time, the clinical significance of this alteration remains unclear.

NM_002519.3(NPAT):c.2270C>G (p.Thr757Ser)

Gene: NPAT (nuclear protein, coactivator of histone transcription; minus strand). Cytogenetic location: 11q22.3.
Variant type: single nucleotide variant.
Coding change: c.2270C>G on transcript NM_002519.3 (MANE Select); coding-DNA position 2270, C replaced by G.
Protein change: p.Thr757Ser; replaces threonine 757 with serine.
Molecular consequence: missense variant.
Genome position (GRCh38, 1-based): chr11:108,172,714, G>C on the plus strand (C>G on the coding strand, the complement: NPAT is on the minus strand). VCF-style: chr11-108172714-G-C. GRCh37 (hg19) VCF-style: chr11-108043441-G-C.
Other names: c.2270C>G, p.Thr757Ser (NM_001321307.1); short protein forms T757S.
Identifiers: ClinVar variation 1788777 (VCV001788777.3), dbSNP rs1199408914, ClinGen allele CA382513329.